The following is an entry in ClinVar:

NM_001144967.3(NEDD4L):c.2006T>C (p.Phe669Ser)

Gene: NEDD4L (NEDD4 like E3 ubiquitin protein ligase; plus strand). Cytogenetic location: 18q21.31.
Variant type: single nucleotide variant.
Coding change: c.2006T>C on transcript NM_001144967.3 (MANE Select); coding-DNA position 2006, T replaced by C.
Protein change: p.Phe669Ser; replaces phenylalanine 669 with serine.
Molecular consequence: missense variant.
Genome position (GRCh38, 1-based): chr18:58,366,171, T>C. VCF-style: chr18-58366171-T-C. GRCh37 (hg19) VCF-style: chr18-56033403-T-C.
Other names: c.1643T>C, p.Phe548Ser (NM_001144964.1, NM_001144965.2, NM_001144966.3); c.1982T>C, p.Phe661Ser (NM_001144968.2); c.1922T>C, p.Phe641Ser (NM_001144969.2); c.1583T>C, p.Phe528Ser (NM_001144970.3, NM_001144971.2); c.1814T>C, p.Phe605Ser (NM_001243960.2); c.1946T>C, p.Phe649Ser (NM_015277.6); short protein forms F528S, F548S, F605S, F641S, F649S, F661S, F669S.
Identifiers: ClinVar variation 1718326 (VCV001718326.5), dbSNP rs2517671186, ClinGen allele CA402547998.

ClinVar aggregate classification (germline): Uncertain significance (1 of 4 stars; one submission).

Submission:

Labcorp Genetics (formerly Invitae), Labcorp
Classification: Uncertain significance. Last evaluated: 2022-08-30. Review status: criteria provided, single submitter. Criteria: Invitae Variant Classification Sherloc (09022015). Collection method: clinical testing. Allele origin: germline.
Comment: This variant has not been reported in the literature in individuals affected with NEDD4L-related conditions. This variant is not present in population databases (gnomAD no frequency). This sequence change replaces phenylalanine, which is neutral and non-polar, with serine, which is neutral and polar, at codon 649 of the NEDD4L protein (p.Phe649Ser). Algorithms developed to predict the effect of missense changes on protein structure and function (SIFT, PolyPhen-2, Align-GVGD) all suggest that this variant is likely to be disruptive. In summary, the available evidence is currently insufficient to determine the role of this variant in disease. Therefore, it has been classified as a Variant of Uncertain Significance.